The following is an entry in ClinVar:

ClinVar aggregate classification (germline): Benign/Likely benign. Review status: criteria provided, multiple submitters, no conflicts (2 of 4 stars). 4 submissions from 4 submitters: Benign (1); Likely benign (3). Last evaluated 2025-07-24.

Conditions:
Hereditary cancer-predisposing syndrome. Also called: Tumor predisposition; Hereditary neoplastic syndrome; Neoplastic Syndromes, Hereditary; Hereditary Cancer Syndrome. Identifiers: Orphanet 140162, MedGen C0027672, MeSH D009386, MONDO:0015356.
Multiple endocrine neoplasia, type 1 (MEN1). Also called: MEN I; WERMER SYNDROME; Endocrine adenomatosis multiple; MEN 1; MEA I. Identifiers: Orphanet 652, MedGen C0025267, MeSH D018761, MONDO:0007540, OMIM 131100.

Allele frequency attached by ClinVar (database versions not stated): gnomAD exomes below 0.00001.
gnomAD v4.1: 3 of 1,614,168 alleles (0.00019%); highest among the groups gnomAD compares: Admixed American, 0.0033%; no homozygotes.

Submissions (4):

Labcorp Genetics (formerly Invitae), Labcorp
Classification: Likely benign for Multiple endocrine neoplasia, type 1. Last evaluated: 2025-07-24. Review status: criteria provided, single submitter. Criteria: Invitae Variant Classification Sherloc (09022015). Collection method: clinical testing. Allele origin: germline.

Myriad Genetics, Inc.
Classification: Benign for Multiple endocrine neoplasia, type 1. Last evaluated: 2024-11-04. Review status: criteria provided, single submitter. Criteria: Myriad Autosomal Dominant, Autosomal Recessive and X-Linked Classification Criteria (2023). Collection method: clinical testing. Allele origin: unknown.
Comment: This variant is considered benign. This variant is a silent/synonymous amino acid change and it is not expected to impact splicing.

Ambry Genetics
Classification: Likely benign for Hereditary cancer-predisposing syndrome. Last evaluated: 2023-06-08. Review status: criteria provided, single submitter. Criteria: Ambry Variant Classification Scheme 2023. Collection method: clinical testing. Allele origin: germline.

All of Us Research Program, National Institutes of Health
Classification: Likely benign for Multiple endocrine neoplasia, type 1. Last evaluated: 2023-03-09. Review status: criteria provided, single submitter. Criteria: ACMG Guidelines, 2015. Collection method: clinical testing. Allele origin: germline. Inheritance: Autosomal dominant inheritance. Observed: 1 variant allele, 1 heterozygote.
Comment: This study involves interpretation of variants in research participants for the purpose of population health screening. Participant phenotype was not available at the time of variant classification. Additional details can be found in publication PMID: 35346344, PMCID: PMC8962531

NM_001370259.2(MEN1):c.915C>T (p.Gly305=)

Gene: MEN1 (menin 1; minus strand). Cytogenetic location: 11q13.1.
Variant type: single nucleotide variant.
Coding change: c.915C>T on transcript NM_001370259.2 (MANE Select); coding-DNA position 915, C replaced by T.
Protein change: p.Gly305=; no amino-acid change (glycine 305 retained).
Molecular consequence: synonymous variant. On other transcripts: non-coding transcript variant (4).
Genome position (GRCh38, 1-based): chr11:64,806,366, G>A on the plus strand (C>T on the coding strand, the complement: MEN1 is on the minus strand). VCF-style: chr11-64806366-G-A. GRCh37 (hg19) VCF-style: chr11-64573838-G-A.
Other names: c.930C>T, p.Gly310= (NM_000244.4, NM_001407145.1, NM_001407150.1 and 5 more transcripts); c.915C>T, p.Gly305= (NM_001370251.2, NM_001370260.2, NM_001370261.2 and 7 more transcripts); c.810C>T, p.Gly270= (NM_001370262.2, NM_001370263.2, NM_001407148.1 and 2 more transcripts).
Identifiers: ClinVar variation 2560723 (VCV002560723.5), dbSNP rs1485325548, ClinGen allele CA474983437.
Genomic context (GRCh38, chr11:64,806,366, plus strand): 5'-AGCCAGGTACATGTAGGGGTAGATGTGTTCATCCCGATAGTAGGTCTTGGCTGAGGCAAT[G>A]CCCTGGATGGAGGTGAGGCAGAGGATCCTCAGGGAGGCAGCCCCAGCTGCCCTGCTGGCA-3'
Protein context (NP_001357188.2, residues 295-315): RPDPLTLYHK[Gly305=]IASAKTYYRD